The following is an entry in ClinVar:

ClinVar aggregate classification (germline): Uncertain significance (1 of 4 stars; one submission).

gnomAD v4.1: 1 of 1,588,612 alleles (0.000063%); highest among the groups gnomAD compares: Non-Finnish European, 0.000086%; no homozygotes.

Submission:

Labcorp Genetics (formerly Invitae), Labcorp
Classification: Uncertain significance. Last evaluated: 2025-04-29. Review status: criteria provided, single submitter. Criteria: Invitae Variant Classification Sherloc (09022015). Collection method: clinical testing. Allele origin: germline.
Comment: This sequence change replaces asparagine, which is neutral and polar, with serine, which is neutral and polar, at codon 846 of the KIF11 protein (p.Asn846Ser). This variant is not present in population databases (gnomAD no frequency). This variant has not been reported in the literature in individuals affected with KIF11-related conditions. Invitae Evidence Modeling of protein sequence and biophysical properties (such as structural, functional, and spatial information, amino acid conservation, physicochemical variation, residue mobility, and thermodynamic stability) indicates that this missense variant is not expected to disrupt KIF11 protein function with a negative predictive value of 95%. In summary, the available evidence is currently insufficient to determine the role of this variant in disease. Therefore, it has been classified as a Variant of Uncertain Significance.

NM_004523.4(KIF11):c.2537A>G (p.Asn846Ser)

Gene: KIF11 (kinesin family member 11; plus strand). Cytogenetic location: 10q23.33.
Variant type: single nucleotide variant.
Coding change: c.2537A>G on transcript NM_004523.4 (MANE Select); coding-DNA position 2537, A replaced by G.
Protein change: p.Asn846Ser; replaces asparagine 846 with serine.
Molecular consequence: missense variant.
Genome position (GRCh38, 1-based): chr10:92,645,632, A>G. VCF-style: chr10-92645632-A-G. GRCh37 (hg19) VCF-style: chr10-94405389-A-G.
Other names: short protein forms N846S.
Identifiers: ClinVar variation 4703031 (VCV004703031.1).
Genomic context (GRCh38, chr10:92,645,632, plus strand): 5'-CAGTTTATTTTTCTGAACAGTGGGTATCTTCCTTAAATGAAAGGGAACAGGAACTTCACA[A>G]CTTATTGGAGGTAATAACTTTGTAAGTGGAACTTACTTTGGGGAGAATAATAATCAGAAA-3'
Protein context (NP_004514.2, residues 836-856): SLNEREQELH[Asn846Ser]LLEVVSQCCE